The following is an entry in ClinVar:

NM_138927.4(SON):c.201A>G (p.Glu67=)

Gene: SON (SON DNA and RNA binding protein; plus strand). Cytogenetic location: 21q22.11.
Variant type: single nucleotide variant.
Coding change: c.201A>G on transcript NM_138927.4 (MANE Select); coding-DNA position 201, A replaced by G.
Protein change: p.Glu67=; no amino-acid change (glutamic acid 67 retained).
Molecular consequence: synonymous variant. On other transcripts: non-coding transcript variant (1).
Genome position (GRCh38, 1-based): chr21:33,546,336, A>G. VCF-style: chr21-33546336-A-G. GRCh37 (hg19) VCF-style: chr21-34918642-A-G.
Other names: c.201A>G, p.Glu67= (NM_001291411.2, NM_001291412.3, NM_032195.3).
Identifiers: ClinVar variation 1331256 (VCV001331256.2), dbSNP rs2145803168, ClinGen allele CA512201783.

ClinVar aggregate classification (germline): Uncertain significance (1 of 4 stars; one submission).

Submission:

GeneDx
Classification: Uncertain significance. Last evaluated: 2021-07-01. Review status: criteria provided, single submitter. Criteria: GeneDx Variant Classification Process June 2021. Collection method: clinical testing. Allele origin: germline. Affected: yes.
Comment: Not observed at significant frequency in large population cohorts (Lek et al., 2016); Has not been previously published as pathogenic or benign to our knowledge; In-silico analysis, which includes splice predictors and evolutionary conservation, is inconclusive as to whether the variant alters gene splicing. In the absence of RNA/functional studies, the actual effect of this sequence change is unknown.; This variant is associated with the following publications: (PMID: 27535533)